The following is an entry in ClinVar:

ClinVar aggregate classification (germline): Pathogenic. Review status: criteria provided, multiple submitters, no conflicts (2 of 4 stars). 3 submissions from 3 submitters: Pathogenic (3). Last evaluated 2025-02-24.

Conditions:
Cardiac anomalies - developmental delay - facial dysmorphism syndrome (MRFACD). Also called: MED13L Syndrome; Impaired intellectual development and distinctive facial features with or without cardiac defects. Identifiers: Orphanet 369891, MedGen C5192431, MONDO:0014773, OMIM 616789.
Intellectual disability. Also called: intellectual disabilities; Intellectual developmental disorder; Intellectual functioning disability. Identifiers: MedGen C3714756, MeSH D008607, MONDO:0001071, HP:0001249.

Submissions (3):

3billion
Classification: Pathogenic for Cardiac anomalies - developmental delay - facial dysmorphism syndrome. Last evaluated: 2025-02-24. Review status: criteria provided, single submitter. Criteria: ACMG Guidelines, 2015. Collection method: clinical testing. Allele origin: germline. Affected: yes.
Comment: The variant is not observed in the gnomAD v4.1.0 dataset. Predicted Consequence/Location: Stop-gained (nonsense): predicted to result in a loss or disruption of normal protein function through nonsense-mediated decay (NMD) or protein truncation. Multiple pathogenic variants are reported downstream of the variant. The variant has been reported at least twice as pathogenic without evidence for the classification (ClinVar ID: VCV000978877). Therefore, this variant is classified as Pathogenic according to the recommendation of ACMG/AMP guideline.

GeneDx
Classification: Pathogenic. Last evaluated: 2023-08-18. Review status: criteria provided, single submitter. Criteria: GeneDx Variant Classification Process June 2021. Collection method: clinical testing. Allele origin: germline. Affected: yes.
Comment: Nonsense variant predicted to result in protein truncation or nonsense mediated decay in a gene for which loss of function is a known mechanism of disease; Not observed at significant frequency in large population cohorts (gnomAD); Has not been previously published as pathogenic or benign to our knowledge

Diagnostic Laboratory, Strasbourg University Hospital
Classification: Pathogenic for Intellectual disability. Last evaluated: 2020-04-20. Review status: criteria provided, single submitter. Criteria: ACMG Guidelines, 2015. Collection method: clinical testing. Allele origin: de novo. Inheritance: Autosomal dominant inheritance. Affected: yes. Observed: 1 heterozygote.

NM_015335.5(MED13L):c.442C>T (p.Arg148Ter)

Gene: MED13L (mediator complex subunit 13L; minus strand). Cytogenetic location: 12q24.21.
Variant type: single nucleotide variant.
Coding change: c.442C>T on transcript NM_015335.5 (MANE Select); coding-DNA position 442, C replaced by T.
Protein change: p.Arg148Ter; replaces arginine 148 with a stop codon.
Molecular consequence: nonsense.
Genome position (GRCh38, 1-based): chr12:116,096,706, G>A on the plus strand (C>T on the coding strand, the complement: MED13L is on the minus strand). VCF-style: chr12-116096706-G-A. GRCh37 (hg19) VCF-style: chr12-116534511-G-A.
Other names: short protein forms R148*.
Identifiers: ClinVar variation 978877 (VCV000978877.7), dbSNP rs1872666696, ClinGen allele CA386926852.
Genomic context (GRCh38, chr12:116,096,706, plus strand): 5'-CCAAGAGCATTCTAAAGGCTCACCTTTTGTTGACTGGCTTTTCATCCTTTTCGTAGGGTC[G>A]GACAAACCATTTCCCAATCCTAACGAAGTTCTTATCCATTAGGCACCTAAAATAATTACA-3'